The following is an entry in ClinVar:

NM_000379.4(XDH):c.885C>T (p.Asp295=)

Gene: XDH (xanthine dehydrogenase; minus strand). Cytogenetic location: 2p23.1.
Variant type: single nucleotide variant.
Coding change: c.885C>T on transcript NM_000379.4 (MANE Select); coding-DNA position 885, C replaced by T.
Protein change: p.Asp295=; no amino-acid change (aspartic acid 295 retained).
Molecular consequence: synonymous variant.
Genome position (GRCh38, 1-based): chr2:31,383,756, G>A on the plus strand (C>T on the coding strand, the complement: XDH is on the minus strand). VCF-style: chr2-31383756-G-A. GRCh37 (hg19) VCF-style: chr2-31606622-G-A.
Identifiers: ClinVar variation 3605443 (VCV003605443.2).

ClinVar aggregate classification (germline): Uncertain significance (1 of 4 stars; one submission).

Conditions:
Xanthinuria type II. Also called: Xanthine dehydrogenase and aldehyde oxidase combined deficiency of; XDH and AOX dual deficiency. Identifiers: Orphanet 3467, Orphanet 93602, MedGen C1863688, MONDO:0011346, OMIM 603592.

gnomAD v4.1: 23 of 1,613,490 alleles (0.0014%); highest among the groups gnomAD compares: East Asian, 0.0089%; no homozygotes.

Submission:

Labcorp Genetics (formerly Invitae), Labcorp
Classification: Uncertain significance for Xanthinuria type II. Last evaluated: 2024-06-12. Review status: criteria provided, single submitter. Criteria: Invitae Variant Classification Sherloc (09022015). Collection method: clinical testing. Allele origin: germline.
Comment: This sequence change affects codon 295 of the XDH mRNA. It is a 'silent' change, meaning that it does not change the encoded amino acid sequence of the XDH protein. It affects a nucleotide within the consensus splice site. This variant is present in population databases (no rsID available, gnomAD 0.009%). This variant has not been reported in the literature in individuals affected with XDH-related conditions. Algorithms developed to predict the effect of sequence changes on RNA splicing suggest that this variant is not likely to affect RNA splicing. In summary, the available evidence is currently insufficient to determine the role of this variant in disease. Therefore, it has been classified as a Variant of Uncertain Significance.